The following is an entry in ClinVar:

ClinVar aggregate classification (germline): Pathogenic. Review status: criteria provided, multiple submitters, no conflicts (2 of 4 stars). 2 submissions from 2 submitters: Pathogenic (2). Last evaluated 2024-05-21.

Conditions:
Neuromuscular disease caused by qualitative or quantitative defects of dysferlin. Also called: Qualitative or quantitative defects of dysferlin; Dysferlinopathy. Identifiers: Orphanet 207073, MedGen C2931687, MONDO:0016145.

Allele frequency attached by ClinVar (database versions not stated): gnomAD exomes below 0.00001; TOPMed below 0.00001; gnomAD 0.00001; ExAC 0.00002; ESP Exome Variant Server 0.00008.
gnomAD v4.1: 1 of 1,613,802 alleles (0.000062%); highest among the groups gnomAD compares: African/African-American, 0.0013%; no homozygotes.

Submissions (2):

Labcorp Genetics (formerly Invitae), Labcorp
Classification: Pathogenic for Neuromuscular disease caused by qualitative or quantitative defects of dysferlin. Last evaluated: 2024-05-21. Review status: criteria provided, single submitter. Criteria: Invitae Variant Classification Sherloc (09022015). Collection method: clinical testing. Allele origin: germline.
Comment: This sequence change creates a premature translational stop signal (p.Trp466*) in the DYSF gene. It is expected to result in an absent or disrupted protein product. Loss-of-function variants in DYSF are known to be pathogenic (PMID: 17698709, 20301480). This variant is present in population databases (rs141400095, gnomAD 0.008%). This variant has not been reported in the literature in individuals affected with DYSF-related conditions. ClinVar contains an entry for this variant (Variation ID: 1322813). For these reasons, this variant has been classified as Pathogenic.

Revvity Omics, Revvity
Classification: Pathogenic. Last evaluated: 2024-03-22. Review status: criteria provided, single submitter. Criteria: ACMG Guidelines, 2015. Collection method: clinical testing. Allele origin: germline.

Literature cited by the submitters: PubMed 17698709 (cited by Labcorp Genetics (formerly Invitae), Labcorp); PubMed 20301480 (cited by Labcorp Genetics (formerly Invitae), Labcorp).

NM_001130987.2(DYSF):c.1494G>A (p.Trp498Ter)

Gene: DYSF (dysferlin; plus strand). Cytogenetic location: 2p13.2.
Variant type: single nucleotide variant.
Coding change: c.1494G>A on transcript NM_001130987.2 (MANE Select); coding-DNA position 1494, G replaced by A.
Protein change: p.Trp498Ter; replaces tryptophan 498 with a stop codon.
Molecular consequence: nonsense.
Genome position (GRCh38, 1-based): chr2:71,539,157, G>A. VCF-style: chr2-71539157-G-A. GRCh37 (hg19) VCF-style: chr2-71766287-G-A.
Other names: c.1401G>A, p.Trp467Ter (NM_001130455.2, NM_001130983.2, NM_001130984.2 and 1 more transcripts); c.1398G>A, p.Trp466Ter (NM_001130976.2, NM_001130977.2, NM_001130978.2 and 1 more transcripts); c.1491G>A, p.Trp497Ter (NM_001130979.2, NM_001130980.2, NM_001130981.2); c.1494G>A, p.Trp498Ter (NM_001130982.2, NM_001130985.2); short protein forms W466*, W467*, W497*, W498*.
Identifiers: ClinVar variation 1322813 (VCV001322813.8), dbSNP rs141400095, ClinGen allele CA1705794.